The following is an entry in ClinVar:

ClinVar aggregate classification (germline): Uncertain significance (1 of 4 stars; one submission).

Conditions:
Inborn genetic diseases. Identifiers: MedGen C0950123, MeSH D030342.

Allele frequency attached by ClinVar (database versions not stated): gnomAD exomes below 0.00001.
gnomAD v4.1: 3 of 1,613,716 alleles (0.00019%); highest among the groups gnomAD compares: Non-Finnish European, 0.00025%; no homozygotes.

Submission:

Ambry Genetics
Classification: Uncertain significance for Inborn genetic diseases. Last evaluated: 2022-08-23. Review status: criteria provided, single submitter. Criteria: Ambry Variant Classification Scheme 2023. Collection method: clinical testing. Allele origin: germline.
Comment: The p.G481R variant (also known as c.1441G>C), located in coding exon 6 of the ATR gene, results from a G to C substitution at nucleotide position 1441. The glycine at codon 481 is replaced by arginine, an amino acid with dissimilar properties. This amino acid position is conserved. In addition, this alteration is predicted to be tolerated by in silico analysis. Since supporting evidence is limited at this time, the clinical significance of this alteration remains unclear.

NM_001184.4(ATR):c.1441G>C (p.Gly481Arg)

Gene: ATR (ATR checkpoint kinase; minus strand). Cytogenetic location: 3q23.
Variant type: single nucleotide variant.
Coding change: c.1441G>C on transcript NM_001184.4 (MANE Select); coding-DNA position 1441, G replaced by C.
Protein change: p.Gly481Arg; replaces glycine 481 with arginine.
Molecular consequence: missense variant. On other transcripts: intron variant (1).
Genome position (GRCh38, 1-based): chr3:142,560,363, C>G on the plus strand (G>C on the coding strand, the complement: ATR is on the minus strand). VCF-style: chr3-142560363-C-G. GRCh37 (hg19) VCF-style: chr3-142279205-C-G.
Other names: c.1349+880G>C (NM_001354579.2); short protein forms G481R.
Identifiers: ClinVar variation 1772716 (VCV001772716.2), dbSNP rs2108482978, ClinGen allele CA354822857.